The following is an entry in ClinVar:

ClinVar aggregate classification (germline): Uncertain significance (1 of 4 stars; one submission).

Conditions:
Intellectual developmental disorder, autosomal dominant 1. Also called: MBD5 Haploinsufficiency; Intellectual disability, autosomal dominant 1. Identifiers: Orphanet 228402, MedGen C1969562, MONDO:0007974, OMIM 156200.

Allele frequency attached by ClinVar (database versions not stated): gnomAD exomes below 0.00001.
gnomAD v4.1: 1 of 1,613,666 alleles (0.000062%); highest among the groups gnomAD compares: Non-Finnish European, 0.000085%; no homozygotes.

Submission:

Labcorp Genetics (formerly Invitae), Labcorp
Classification: Uncertain significance for Intellectual developmental disorder, autosomal dominant 1. Last evaluated: 2023-04-20. Review status: criteria provided, single submitter. Criteria: Invitae Variant Classification Sherloc (09022015). Collection method: clinical testing. Allele origin: germline.
Comment: In summary, the available evidence is currently insufficient to determine the role of this variant in disease. Therefore, it has been classified as a Variant of Uncertain Significance. Advanced modeling of protein sequence and biophysical properties (such as structural, functional, and spatial information, amino acid conservation, physicochemical variation, residue mobility, and thermodynamic stability) has been performed at Invitae for this missense variant, however the output from this modeling did not meet the statistical confidence thresholds required to predict the impact of this variant on MBD5 protein function. This variant has not been reported in the literature in individuals affected with MBD5-related conditions. This variant is not present in population databases (gnomAD no frequency). This sequence change replaces glycine, which is neutral and non-polar, with arginine, which is basic and polar, at codon 470 of the MBD5 protein (p.Gly470Arg).

NM_001378120.1(MBD5):c.1408G>A (p.Gly470Arg)

Gene: MBD5 (methyl-CpG binding domain protein 5; plus strand). Cytogenetic location: 2q23.1.
Variant type: single nucleotide variant.
Coding change: c.1408G>A on transcript NM_001378120.1 (MANE Select); coding-DNA position 1408, G replaced by A.
Protein change: p.Gly470Arg; replaces glycine 470 with arginine.
Molecular consequence: missense variant.
Genome position (GRCh38, 1-based): chr2:148,469,351, G>A. VCF-style: chr2-148469351-G-A. GRCh37 (hg19) VCF-style: chr2-149226920-G-A.
Other names: c.1408G>A, p.Gly470Arg (NM_018328.5); short protein forms G470R.
Identifiers: ClinVar variation 2830588 (VCV002830588.3), dbSNP rs2469864860, ClinGen allele CA348719621.